The following is an entry in ClinVar:

NM_001365088.1(SLC12A6):c.455G>T (p.Arg152Leu)

Gene: SLC12A6 (solute carrier family 12 member 6; minus strand). Cytogenetic location: 15q14.
Variant type: single nucleotide variant.
Coding change: c.455G>T on transcript NM_001365088.1 (MANE Select); coding-DNA position 455, G replaced by T.
Protein change: p.Arg152Leu; replaces arginine 152 with leucine.
Molecular consequence: missense variant.
Genome position (GRCh38, 1-based): chr15:34,258,901, C>A on the plus strand (G>T on the coding strand, the complement: SLC12A6 is on the minus strand). VCF-style: chr15-34258901-C-A. GRCh37 (hg19) VCF-style: chr15-34551102-C-A.
Other names: c.278G>T, p.Arg93Leu (NM_001042494.2, NM_001042495.2); c.428G>T, p.Arg143Leu (NM_001042496.2); c.410G>T, p.Arg137Leu (NM_001042497.2); c.302G>T, p.Arg101Leu (NM_005135.2); c.455G>T, p.Arg152Leu (NM_133647.2); short protein forms R101L, R93L, R152L, R137L, R143L.
Identifiers: ClinVar variation 2334496 (VCV002334496.4), dbSNP rs200361670, ClinGen allele CA7464560.

ClinVar aggregate classification (germline): Uncertain significance. Review status: criteria provided, multiple submitters, no conflicts (2 of 4 stars). 2 submissions from 2 submitters: Uncertain significance (2). Last evaluated 2024-07-30.

Conditions:
Inborn genetic diseases. Identifiers: MedGen C0950123, MeSH D030342.

gnomAD v4.1: 3 of 1,609,876 alleles (0.00019%); highest among the groups gnomAD compares: Non-Finnish European, 0.00026%; no homozygotes.

Submissions (2):

Labcorp Genetics (formerly Invitae), Labcorp
Classification: Uncertain significance. Last evaluated: 2024-07-30. Review status: criteria provided, single submitter. Criteria: Invitae Variant Classification Sherloc (09022015). Collection method: clinical testing. Allele origin: germline.
Comment: This sequence change replaces arginine, which is basic and polar, with leucine, which is neutral and non-polar, at codon 152 of the SLC12A6 protein (p.Arg152Leu). This variant is present in population databases (rs200361670, gnomAD 0.0009%). This variant has not been reported in the literature in individuals affected with SLC12A6-related conditions. ClinVar contains an entry for this variant (Variation ID: 2334496). Advanced modeling of protein sequence and biophysical properties (such as structural, functional, and spatial information, amino acid conservation, physicochemical variation, residue mobility, and thermodynamic stability) performed at Invitae indicates that this missense variant is not expected to disrupt SLC12A6 protein function with a negative predictive value of 80%. In summary, the available evidence is currently insufficient to determine the role of this variant in disease. Therefore, it has been classified as a Variant of Uncertain Significance.

Ambry Genetics
Classification: Uncertain significance for Inborn genetic diseases. Last evaluated: 2022-12-13. Review status: criteria provided, single submitter. Criteria: Ambry Variant Classification Scheme 2023. Collection method: clinical testing. Allele origin: germline.